The following is an entry in ClinVar:

ClinVar aggregate classification (germline): Uncertain significance (1 of 4 stars; one submission).

Conditions:
Inborn genetic diseases. Identifiers: MedGen C0950123, MeSH D030342.

Submission:

Ambry Genetics
Classification: Uncertain significance for Inborn genetic diseases. Last evaluated: 2025-06-24. Review status: criteria provided, single submitter. Criteria: Ambry Variant Classification Scheme 2023. Collection method: clinical testing. Allele origin: germline.
Comment: The c.3032G>A (p.G1011E) alteration is located in exon 44 (coding exon 44) of the COL2A1 gene. This alteration results from a G to A substitution at nucleotide position 3032, causing the glycine (G) at amino acid position 1011 to be replaced by a glutamic acid (E). This variant was not reported in population-based cohorts in the Genome Aggregation Database (gnomAD). However, this variant was flagged as a low confidence call. This amino acid position is highly conserved in available vertebrate species. This alteration is predicted to be deleterious by in silico analysis. Based on insufficient or conflicting evidence, the clinical significance of this alteration remains unclear.

NM_001844.5(COL2A1):c.3032G>A (p.Gly1011Glu)

Gene: COL2A1 (collagen type II alpha 1 chain; minus strand). Cytogenetic location: 12q13.11.
Variant type: single nucleotide variant.
Coding change: c.3032G>A on transcript NM_001844.5 (MANE Select); coding-DNA position 3032, G replaced by A.
Protein change: p.Gly1011Glu; replaces glycine 1011 with glutamic acid.
Molecular consequence: missense variant.
Genome position (GRCh38, 1-based): chr12:47,978,089, C>T on the plus strand (G>A on the coding strand, the complement: COL2A1 is on the minus strand). VCF-style: chr12-47978089-C-T. GRCh37 (hg19) VCF-style: chr12-48371872-C-T.
Other names: c.2825G>A, p.Gly942Glu (NM_033150.3); short protein forms G1011E, G942E.
Identifiers: ClinVar variation 4232223 (VCV004232223.1).